The following is an entry in ClinVar:

NM_001134407.3(GRIN2A):c.687C>T (p.Leu229=)

Gene: GRIN2A (glutamate ionotropic receptor NMDA type subunit 2A; minus strand). Cytogenetic location: 16p13.2.
Variant type: single nucleotide variant.
Coding change: c.687C>T on transcript NM_001134407.3 (MANE Select); coding-DNA position 687, C replaced by T.
Protein change: p.Leu229=; no amino-acid change (leucine 229 retained).
Molecular consequence: synonymous variant.
Genome position (GRCh38, 1-based): chr16:9,938,279, G>A on the plus strand (C>T on the coding strand, the complement: GRIN2A is on the minus strand). VCF-style: chr16-9938279-G-A. GRCh37 (hg19) VCF-style: chr16-10032136-G-A.
Other names: c.687C>T, p.Leu229= (NM_000833.5, NM_001134408.2).
Identifiers: ClinVar variation 387238 (VCV000387238.38), dbSNP rs372649219, ClinGen allele CA7896916.

ClinVar aggregate classification (germline): Conflicting classifications of pathogenicity. Review status: criteria provided, conflicting classifications (1 of 4 stars). 5 submissions from 5 submitters: Uncertain significance (1); Likely benign (4). Last evaluated 2024-12-09.

Conditions:
Landau-Kleffner syndrome (FESD). Also called: EPILEPSY, FOCAL, WITH SPEECH DISORDER AND WITH OR WITHOUT MENTAL RETARDATION; APHASIA, ACQUIRED, WITH EPILEPSY. Identifiers: Orphanet 1945, Orphanet 725, Orphanet 98818, MedGen C0282512, MONDO:0009509, OMIM 245570.

Allele frequency attached by ClinVar (database versions not stated): gnomAD 0.00001 and 0.00002; TOPMed 0.00001; ESP Exome Variant Server 0.00008; ExAC 0.00005.
gnomAD v4.1: 32 of 1,613,976 alleles (0.002%); highest among the groups gnomAD compares: Middle Eastern, 0.033%; no homozygotes.

Submissions (5):

Labcorp Genetics (formerly Invitae), Labcorp
Classification: Likely benign for Landau-Kleffner syndrome. Last evaluated: 2024-12-09. Review status: criteria provided, single submitter. Criteria: Invitae Variant Classification Sherloc (09022015). Collection method: clinical testing. Allele origin: germline.

Blueprint Genetics
Classification: Likely benign. Last evaluated: 2023-09-19. Review status: criteria provided, single submitter. Criteria: ACMG Guidelines, 2015. Collection method: clinical testing. Allele origin: germline.

CeGaT Center for Human Genetics Tuebingen
Classification: Likely benign. Last evaluated: 2022-03-01. Review status: criteria provided, single submitter. Criteria: CeGaT Center For Human Genetics Tuebingen Variant Classification Criteria Version 2. Collection method: clinical testing. Allele origin: germline. Affected: yes. Observed: 1 variant allele.
Comment: GRIN2A: BP4, BP7

Illumina Laboratory Services, Illumina
Classification: Uncertain significance for Landau-Kleffner syndrome. Last evaluated: 2018-03-30. Review status: criteria provided, single submitter. Criteria: ICSL Variant Classification Criteria 13 December 2019. Collection method: clinical testing. Allele origin: germline.

GeneDx
Classification: Likely benign. Last evaluated: 2017-09-15. Review status: criteria provided, single submitter. Criteria: GeneDx Variant Classification (06012015). Collection method: clinical testing. Allele origin: germline. Affected: yes.
Comment: This variant is considered likely benign or benign based on one or more of the following criteria: it is a conservative change, it occurs at a poorly conserved position in the protein, it is predicted to be benign by multiple in silico algorithms, and/or has population frequency not consistent with disease.